The following is an entry in ClinVar:

NM_001126108.2(SLC12A3):c.1568-12G>A

Gene: SLC12A3 (solute carrier family 12 member 3; plus strand). Cytogenetic location: 16q13.
Variant type: single nucleotide variant.
Coding change: c.1568-12G>A on transcript NM_001126108.2 (MANE Select); 12 bases into the intron before coding-DNA position 1568, G replaced by A.
Molecular consequence: intron variant.
Genome position (GRCh38, 1-based): chr16:56,882,384, G>A. VCF-style: chr16-56882384-G-A. GRCh37 (hg19) VCF-style: chr16-56916296-G-A.
Other names: c.1568-12G>A (NM_000339.3); c.1565-12G>A (NM_001126107.2, NM_001410896.1).
Identifiers: ClinVar variation 3066173 (VCV003066173.2), dbSNP rs2543511560, ClinGen allele CA2633372635.

ClinVar aggregate classification (germline): Uncertain significance. Review status: criteria provided, multiple submitters, no conflicts (2 of 4 stars). 2 submissions from 2 submitters: Uncertain significance (2). Last evaluated 2025-03-27.

Conditions:
Familial hypokalemia-hypomagnesemia (GTLMNS). Also called: HYPOMAGNESEMIA-HYPOKALEMIA, PRIMARY RENOTUBULAR, WITH HYPOCALCIURIA; POTASSIUM AND MAGNESIUM DEPLETION; gitelman syndrome. Identifiers: Orphanet 358, MedGen C0268450, MONDO:0009904, OMIM 263800.

Submissions (2):

GeneDx
Classification: Uncertain significance. Last evaluated: 2025-03-27. Review status: criteria provided, single submitter. Criteria: GeneDx Variant Classification Process June 2021. Collection method: clinical testing. Allele origin: germline. Affected: yes.
Comment: Not observed at significant frequency in large population cohorts (gnomAD); In silico analysis supports a deleterious effect on splicing; Has not been previously published as pathogenic or benign to our knowledge

MVZ Medizinische Genetik Mainz
Classification: Uncertain significance for Familial hypokalemia-hypomagnesemia. Last evaluated: 2024-01-23. Review status: criteria provided, single submitter. Criteria: UK Practice Guidelines For Variant Classification V4 01 2020. Collection method: clinical testing. Allele origin: germline. Inheritance: Autosomal recessive inheritance. Affected: yes. Observed: 1 variant allele.
Comment: ACMG Criteria: PM2_SUP,PM3_SUP,PP3,PP4